The following is an entry in ClinVar:

ClinVar aggregate classification (germline): Uncertain significance (1 of 4 stars; one submission).

Conditions:
Familial thoracic aortic aneurysm and aortic dissection (TAAD). Also called: Thoracic aortic aneurysms and dissections. Identifiers: Orphanet 91387, MedGen C4707243, MONDO:0019625.

Submission:

Ambry Genetics
Classification: Uncertain significance for Familial thoracic aortic aneurysm and aortic dissection. Last evaluated: 2025-04-30. Review status: criteria provided, single submitter. Criteria: Ambry Variant Classification Scheme 2023. Collection method: clinical testing. Allele origin: germline.
Comment: The p.N1667D variant (also known as c.4999A>G), located in coding exon 27 of the MYLK gene, results from an A to G substitution at nucleotide position 4999. The asparagine at codon 1667 is replaced by aspartic acid, an amino acid with highly similar properties. This amino acid position is conserved. In addition, this alteration is predicted to be tolerated by in silico analysis. Based on the available evidence, the clinical significance of this variant remains unclear.

NM_053025.4(MYLK):c.4999A>G (p.Asn1667Asp)

Genes: MYLK-AS1 (MYLK antisense RNA 1; plus strand), MYLK (myosin light chain kinase; minus strand), LOC126806791 (MED14-independent group 3 enhancer GRCh37_chr3:123347871-123349070; plus strand). Cytogenetic location: 3q21.1.
Variant type: single nucleotide variant.
Coding change: c.4999A>G on transcript NM_053025.4 (MANE Select); coding-DNA position 4999, A replaced by G.
Protein change: p.Asn1667Asp; replaces asparagine 1667 with aspartic acid.
Molecular consequence: missense variant. On other transcripts: non-coding transcript variant (2), intron variant (2).
Genome position (GRCh38, 1-based): chr3:123,629,589, T>C on the plus strand (A>G on the coding strand, the complement: MYLK is on the minus strand). VCF-style: chr3-123629589-T-C. GRCh37 (hg19) VCF-style: chr3-123348436-T-C.
Other names: c.4471A>G, p.Asn1491Asp (NM_001321309.2); c.4792A>G, p.Asn1598Asp (NM_053026.4); c.4755-2648A>G (NM_053028.4); c.4962-2648A>G (NM_053027.4); short protein forms N1598D, N1491D, N1667D.
Identifiers: ClinVar variation 3915764 (VCV003915764.1).
Genomic context (GRCh38, chr3:123,629,589, plus strand): 5'-CATCGAATGCCTCGTCGTCGAAGTCCCAGGTGGCTGAGGTAACGTTGGCCAAGGTTTCGT[T>C]ATCGTTGTCTCCCATGAAGGGGGAAAGGCCACTGACTCTGGAGAGACAAGAGCAGGACAG-3'
Protein context (NP_444253.3, residues 1657-1677): GLSPFMGDND[Asn1667Asp]ETLANVTSAT